The following is an entry in ClinVar:

NM_004385.5(VCAN):c.983T>C (p.Phe328Ser)

Gene: VCAN (versican; plus strand). Cytogenetic location: 5q14.3.
Variant type: single nucleotide variant.
Coding change: c.983T>C on transcript NM_004385.5 (MANE Select); coding-DNA position 983, T replaced by C.
Protein change: p.Phe328Ser; replaces phenylalanine 328 with serine.
Molecular consequence: missense variant.
Genome position (GRCh38, 1-based): chr5:83,512,337, T>C. VCF-style: chr5-83512337-T-C. GRCh37 (hg19) VCF-style: chr5-82808156-T-C.
Other names: c.983T>C, p.Phe328Ser (NM_001126336.3, NM_001164097.2, NM_001164098.2); short protein forms F328S.
Identifiers: ClinVar variation 1055641 (VCV001055641.9), dbSNP rs183969050, ClinGen allele CA3332564.

ClinVar aggregate classification (germline): Conflicting classifications of pathogenicity. Review status: criteria provided, conflicting classifications (1 of 4 stars). 2 submissions from 2 submitters: Uncertain significance (1); Likely benign (1). Last evaluated 2026-01-11.

Allele frequency attached by ClinVar (database versions not stated): gnomAD exomes 0.00003 and 0.00005; ExAC 0.00006; gnomAD 0.00011 and 0.00012; ESP Exome Variant Server 0.00015; TOPMed 0.00017; 1000 Genomes Project 0.00040; 1000 Genomes Project 30x 0.00047.
gnomAD v4.1: 62 of 1,610,924 alleles (0.0038%); highest among the groups gnomAD compares: African/African-American, 0.057%; no homozygotes.

Submissions (2):

Labcorp Genetics (formerly Invitae), Labcorp
Classification: Uncertain significance. Last evaluated: 2026-01-11. Review status: criteria provided, single submitter. Criteria: Invitae Variant Classification Sherloc (09022015). Collection method: clinical testing. Allele origin: germline.
Comment: This sequence change replaces phenylalanine, which is neutral and non-polar, with serine, which is neutral and polar, at codon 328 of the VCAN protein (p.Phe328Ser). This variant is present in population databases (rs183969050, gnomAD 0.04%), and has an allele count higher than expected for a pathogenic variant. This variant has not been reported in the literature in individuals affected with VCAN-related conditions. ClinVar contains an entry for this variant (Variation ID: 1055641). An algorithm developed to predict the effect of missense changes on protein structure and function (PolyPhen-2) suggests that this variant is likely to be disruptive. In summary, the available evidence is currently insufficient to determine the role of this variant in disease. Therefore, it has been classified as a Variant of Uncertain Significance.

Blueprint Genetics
Classification: Likely benign. Last evaluated: 2023-08-04. Review status: criteria provided, single submitter. Criteria: ACMG Guidelines, 2015. Collection method: clinical testing. Allele origin: germline.